The following is an entry in ClinVar:

ClinVar aggregate classification (germline): Benign/Likely benign. Review status: criteria provided, multiple submitters, no conflicts (2 of 4 stars). 4 submissions from 4 submitters: Benign (3); Likely benign (1). Last evaluated 2025-12-23.

Conditions:
Pancreatic agenesis 2 (PAGEN2). Also called: PANCREATIC HYPOPLASIA, CONGENITAL 2. Identifiers: Orphanet 2805, MedGen C4014737, MONDO:0014406, OMIM 615935.
Permanent neonatal diabetes mellitus-pancreatic and cerebellar agenesis syndrome. Also called: PANCREATIC AND CEREBELLAR AGENESIS. Identifiers: Orphanet 65288, MedGen C1836780, MONDO:0012192, OMIM 609069.

Allele frequency attached by ClinVar (database versions not stated): gnomAD 0.00109 and 0.00254; TOPMed 0.00181; 1000 Genomes Project 30x 0.01405; 1000 Genomes Project 0.01438; ExAC 0.05237.

Submissions (4):

Labcorp Genetics (formerly Invitae), Labcorp
Classification: Benign. Last evaluated: 2025-12-23. Review status: criteria provided, single submitter. Criteria: Invitae Variant Classification Sherloc (09022015). Collection method: clinical testing. Allele origin: germline.

Fulgent Genetics
Classification: Likely benign for Permanent neonatal diabetes mellitus-pancreatic and cerebellar agenesis syndrome; Pancreatic agenesis 2. Last evaluated: 2021-08-20. Review status: criteria provided, single submitter. Criteria: ACMG Guidelines, 2015. Collection method: clinical testing. Allele origin: unknown.

Illumina Laboratory Services, Illumina
Classification: Benign for Permanent neonatal diabetes mellitus-pancreatic and cerebellar agenesis syndrome. Last evaluated: 2018-01-12. Review status: criteria provided, single submitter. Criteria: ICSL Variant Classification Criteria 13 December 2019. Collection method: clinical testing. Allele origin: germline.
Comment: This variant was observed in the ICSL laboratory as part of a predisposition screen in an ostensibly healthy population. It had not been previously curated by ICSL or reported in the Human Gene Mutation Database (HGMD: prior to June 1st, 2018), and was therefore a candidate for classification through an automated scoring system. Utilizing variant allele frequency, disease prevalence and penetrance estimates, and inheritance mode, an automated score was calculated to assess if this variant is too frequent to cause the disease. Based on the score and internal cut-off values, a variant classified as benign is not then subjected to further curation. The score for this variant resulted in a classification of benign for this disease.

Breakthrough Genomics
Classification: Benign. Review status: criteria provided, single submitter. Criteria: ACMG Guidelines, 2015. Collection method: not provided. Allele origin: germline. Inheritance: Autosomal recessive inheritance. Affected: yes.

NM_178161.3(PTF1A):c.386C>T (p.Ala129Val)

Gene: PTF1A (pancreas associated transcription factor 1a; plus strand). Cytogenetic location: 10p12.2.
Variant type: single nucleotide variant.
Coding change: c.386C>T on transcript NM_178161.3 (MANE Select); coding-DNA position 386, C replaced by T.
Protein change: p.Ala129Val; replaces alanine 129 with valine.
Molecular consequence: missense variant.
Genome position (GRCh38, 1-based): chr10:23,192,916, C>T. VCF-style: chr10-23192916-C-T. GRCh37 (hg19) VCF-style: chr10-23481845-C-T.
Other names: short protein forms A129V.
Identifiers: ClinVar variation 299624 (VCV000299624.14), dbSNP rs370163562, ClinGen allele CA5438599.